The following is an entry in ClinVar:

NM_002734.5(PRKAR1A):c.110A>G (p.Gln37Arg)

Gene: PRKAR1A (protein kinase cAMP-dependent type I regulatory subunit alpha; plus strand). Cytogenetic location: 17q24.2.
Variant type: single nucleotide variant.
Coding change: c.110A>G on transcript NM_002734.5 (MANE Select); coding-DNA position 110, A replaced by G.
Protein change: p.Gln37Arg; replaces glutamine 37 with arginine.
Molecular consequence: missense variant.
Genome position (GRCh38, 1-based): chr17:68,515,509, A>G. VCF-style: chr17-68515509-A-G. GRCh37 (hg19) VCF-style: chr17-66511650-A-G.
Other names: c.110A>G, p.Gln37Arg (NM_001276289.2, NM_001276290.1, NM_001278433.2 and 4 more transcripts); short protein forms Q37R.
Identifiers: ClinVar variation 4998576 (VCV004998576.1).

ClinVar aggregate classification (germline): Uncertain significance (1 of 4 stars; one submission).

Conditions:
PRKAR1A-related disorder. Also called: PRKAR1A-related condition.

Submission:

PreventionGenetics, part of Exact Sciences
Classification: Uncertain significance for PRKAR1A-related condition. Last evaluated: 2026-06-15. Review status: criteria provided, single submitter. Criteria: ACMG Guidelines, 2015. Collection method: clinical testing. Allele origin: germline.
Comment: The PRKAR1A c.110A>G variant is predicted to result in the amino acid substitution p.Gln37Arg. To our knowledge, this variant has not been reported in the literature or in a large population database (gnomAD), indicating this variant is rare. At the time of reporting, this variant is absent from the ClinVar database. At this time, the clinical significance of this variant is uncertain due to the absence of conclusive functional and genetic evidence.